The following is an entry in ClinVar:

NM_001267550.2(TTN):c.88894+1G>C

Genes: TTN (titin; minus strand), TTN-AS1 (TTN antisense RNA 1; plus strand). Cytogenetic location: 2q31.2.
Variant type: single nucleotide variant.
Coding change: c.88894+1G>C on transcript NM_001267550.2 (MANE Select); the canonical splice donor site of the intron after coding-DNA position 88894, G replaced by C.
Molecular consequence: splice donor variant.
Genome position (GRCh38, 1-based): chr2:178,554,452, C>G on the plus strand (G>C on the coding strand, the complement: TTN is on the minus strand). VCF-style: chr2-178554452-C-G. GRCh37 (hg19) VCF-style: chr2-179419179-C-G.
Other names: c.61699+1G>C (NM_003319.4); c.62275+1G>C (NM_133437.4); c.62074+1G>C (NM_133432.3); c.81190+1G>C (NM_133378.4); c.83971+1G>C (NM_001256850.1).
Identifiers: ClinVar variation 4786353 (VCV004786353.2).
Genomic context (GRCh38, chr2:178,554,452, plus strand): 5'-GTTAGCGTAGTTTATTTTTAAATTTTTCACGTTTCAGTTTTCTAATGAAATCATGTCTCA[C>G]CAAATGCGTTCTTGGCTACAACGGAATCAGATTCCAGTGGCTCGCCAATTCCATATTTGT-3'

ClinVar aggregate classification (germline): Conflicting classifications of pathogenicity. Review status: criteria provided, conflicting classifications (1 of 4 stars). 2 submissions from 2 submitters: Likely pathogenic (1); Uncertain significance (1). Last evaluated 2026-07-22.

Conditions:
Autosomal recessive limb-girdle muscular dystrophy type 2J (LGMDR10). Also called: Limb-girdle muscular dystrophy, type 2J; MUSCULAR DYSTROPHY, LIMB-GIRDLE, AUTOSOMAL RECESSIVE 10. Identifiers: Orphanet 140922, MedGen C1837342, MONDO:0012127, OMIM 608807.
Dilated cardiomyopathy 1G (CMD1G). Identifiers: Orphanet 154, MedGen C1858763, MONDO:0011400, OMIM 604145.
Cardiovascular phenotype. Identifiers: MedGen CN230736.

Submissions (2):

Ambry Genetics
Classification: Uncertain significance for Cardiovascular phenotype. Last evaluated: 2026-07-22. Review status: criteria provided, single submitter. Criteria: Ambry Variant Classification Scheme 2023. Collection method: clinical testing. Allele origin: germline.
Comment: The c.61699+1G>C intronic variant results from a G to C substitution one nucleotide after coding exon 159 of the TTN gene. This exon is located in the A-band region of the N2-B isoform of the titin protein and is constitutively expressed in TTN transcripts (percent spliced in or PSI 100%). This nucleotide position is highly conserved in available vertebrate species. In silico splice site analysis predicts that this alteration will weaken the native splice donor site. This variant disrupts the canonical splice site and is expected to cause aberrant splicing. However, although direct evidence is unavailable, this variant is predicted to result in an in-frame transcript that is not expected to trigger nonsense-mediated mRNA decay. The exact functional effect of the predicted splice impact is unknown. Based on the available evidence, the clinical significance of this variant remains unclear.

Labcorp Genetics (formerly Invitae), Labcorp
Classification: Likely pathogenic for Dilated cardiomyopathy 1G; Autosomal recessive limb-girdle muscular dystrophy type 2J. Last evaluated: 2025-10-08. Review status: criteria provided, single submitter. Criteria: Invitae Variant Classification Sherloc (09022015). Collection method: clinical testing. Allele origin: germline.
Comment: This sequence change affects a donor splice site in intron 332 of the TTN gene. It is expected to disrupt RNA splicing and likely results in a truncated or disrupted TTN protein. This variant is not present in population databases (gnomAD no frequency). This variant has not been reported in the literature in individuals affected with TTN-related conditions. Algorithms developed to predict the effect of sequence changes on RNA splicing suggest that this variant may disrupt the consensus splice site. This variant is located in the A band of TTN (PMID: 25589632). Truncating variants in this region are significantly overrepresented in patients affected with dilated cardiomyopathy (PMID: 25589632). Truncating variants in this region have also been reported in individuals affected with autosomal recessive centronuclear myopathy (PMID: 23975875). In summary, the currently available evidence indicates that the variant is pathogenic, but additional data are needed to prove that conclusively. Therefore, this variant has been classified as Likely Pathogenic.

Literature cited by the submitters: PubMed 25589632 (cited by Labcorp Genetics (formerly Invitae), Labcorp); PubMed 23975875 (cited by Labcorp Genetics (formerly Invitae), Labcorp).